The following is an entry in ClinVar:

ClinVar aggregate classification (germline): Pathogenic (1 of 4 stars; one submission).

Conditions:
Myasthenic syndrome, congenital, 22 (CMS22). Also called: PREPL DEFICIENCY. Identifiers: MedGen C4479088, MONDO:0044299, OMIM 616224.

Submission:

Labcorp Genetics (formerly Invitae), Labcorp
Classification: Pathogenic for Myasthenic syndrome, congenital, 22. Last evaluated: 2023-06-27. Review status: criteria provided, single submitter. Criteria: Invitae Variant Classification Sherloc (09022015). Collection method: clinical testing. Allele origin: germline.
Comment: For these reasons, this variant has been classified as Pathogenic. This variant has not been reported in the literature in individuals affected with PREPL-related conditions. This variant is not present in population databases (gnomAD no frequency). This sequence change creates a premature translational stop signal (p.Lys55*) in the PREPL gene. It is expected to result in an absent or disrupted protein product. Loss-of-function variants in PREPL are known to be pathogenic (PMID: 24610330, 28726805, 29913539).

Literature cited by the submitters: PubMed 24610330; PubMed 28726805; PubMed 29913539.

NM_001171613.2(PREPL):c.-49+1826dup

Gene: PREPL (prolyl endopeptidase like; minus strand). Cytogenetic location: 2p21.
Variant type: Duplication.
Coding change: c.-49+1826dup on transcript NM_001171613.2 (MANE Select); 1826 bases into the intron after 49 bases upstream of the start codon, one base duplicated (T; older notation c.-49+1826dupT).
Molecular consequence: intron variant. On other transcripts: nonsense (7).
Genome position (GRCh38, 1-based): chr2:44,359,554, A duplicated on the plus strand (T on the coding strand, the reverse complement: PREPL is on the minus strand). VCF-style (leftmost placement, unchanged base first): chr2-44359553-T-TA. GRCh37 (hg19) VCF-style: chr2-44586692-T-TA.
Other names: c.162dup, p.Lys55Ter (NM_001042385.2, NM_001042386.2, NM_001171603.1 and 4 more transcripts); c.-49+1970dup (NM_001171617.1); c.-49+1863dup (NM_001374277.1); short protein forms K55*.
Identifiers: ClinVar variation 2730921 (VCV002730921.3), dbSNP rs2466493535, ClinGen allele CA2697548039.
Genomic context (GRCh38, chr2:44,359,553, plus strand): 5'-ATACCTTACATGAGAAGCTCCGACTTGGGATGTTTCTTGCTAACTCTGATATCTTGGGTT[T>TA]ATTCTGAAGACACTTGGTTAGGTGATATTTTTTCAATTTTATTCTATTGTAACAATGATC-3'